The following is an entry in ClinVar:

NM_001041.4(SI):c.567G>A (p.Leu189=)

Gene: SI (sucrase-isomaltase; minus strand). Cytogenetic location: 3q26.1.
Variant type: single nucleotide variant.
Coding change: c.567G>A on transcript NM_001041.4 (MANE Select); coding-DNA position 567, G replaced by A.
Protein change: p.Leu189=; no amino-acid change (leucine 189 retained).
Molecular consequence: synonymous variant.
Genome position (GRCh38, 1-based): chr3:165,067,408, C>T on the plus strand (G>A on the coding strand, the complement: SI is on the minus strand). VCF-style: chr3-165067408-C-T. GRCh37 (hg19) VCF-style: chr3-164785196-C-T.
Other names: p.Leu189=.
Identifiers: ClinVar variation 344070 (VCV000344070.15), dbSNP rs76463353, ClinGen allele CA2691440.
Genomic context (GRCh38, chr3:165,067,408, plus strand): 5'-ACCGTTGCTTTTCCTAATAACTTGGATGCTAAATGGGTTTTGGGCAACCTTCACATCATA[C>T]AACGTATCAGAAACTGTGGGTCCAGTAAACTCTTTTACATACTGATGAGGAACTTCATAT-3'
Protein context (NP_001032.2, residues 179-199): EFTGPTVSDT[Leu189=]YDVKVAQNPF

ClinVar aggregate classification (germline): Benign. Review status: criteria provided, multiple submitters, no conflicts (2 of 4 stars). 4 submissions from 4 submitters: Benign (4). Last evaluated 2026-02-02.

Conditions:
Sucrase-isomaltase deficiency (CSID). Also called: SI DEFICIENCY; Deficiency of isomaltase; Congenital sucrose isomaltose malabsorption; Sucrose isomaltose enzyme deficiency. Identifiers: Orphanet 35122, MedGen C1283620, MONDO:0009114, OMIM 222900.

Allele frequency attached by ClinVar (database versions not stated): ESP Exome Variant Server 0.04669; TOPMed 0.04737; 1000 Genomes Project 0.06130; 1000 Genomes Project 30x 0.06324.
gnomAD v4.1: 43,773 of 1,612,420 alleles (2.7%); highest among the groups gnomAD compares: African/African-American, 10%; 1,296 homozygotes.

Submissions (4):

Labcorp Genetics (formerly Invitae), Labcorp
Classification: Benign. Last evaluated: 2026-02-02. Review status: criteria provided, single submitter. Criteria: Invitae Variant Classification Sherloc (09022015). Collection method: clinical testing. Allele origin: germline.

Mayo Clinic Laboratories, Mayo Clinic
Classification: Benign. Last evaluated: 2023-09-08. Review status: criteria provided, single submitter. Criteria: ACMG Guidelines, 2015. Collection method: clinical testing. Allele origin: germline. Observed: 9 variant alleles.

Illumina Laboratory Services, Illumina
Classification: Benign for Sucrase-isomaltase deficiency. Last evaluated: 2018-01-13. Review status: criteria provided, single submitter. Criteria: ICSL Variant Classification Criteria 13 December 2019. Collection method: clinical testing. Allele origin: germline.
Comment: This variant was observed in the ICSL laboratory as part of a predisposition screen in an ostensibly healthy population. It had not been previously curated by ICSL or reported in the Human Gene Mutation Database (HGMD: prior to June 1st, 2018), and was therefore a candidate for classification through an automated scoring system. Utilizing variant allele frequency, disease prevalence and penetrance estimates, and inheritance mode, an automated score was calculated to assess if this variant is too frequent to cause the disease. Based on the score and internal cut-off values, a variant classified as benign is not then subjected to further curation. The score for this variant resulted in a classification of benign for this disease.

Breakthrough Genomics
Classification: Benign. Review status: criteria provided, single submitter. Criteria: ACMG Guidelines, 2015. Collection method: not provided. Allele origin: germline. Inheritance: Autosomal recessive inheritance. Affected: yes.